The following is an entry in ClinVar:

NM_000540.3(RYR1):c.11913C>G (p.Pro3971=)

Gene: RYR1 (ryanodine receptor 1; plus strand). Cytogenetic location: 19q13.2.
Variant type: single nucleotide variant.
Coding change: c.11913C>G on transcript NM_000540.3 (MANE Select); coding-DNA position 11913, C replaced by G.
Protein change: p.Pro3971=; no amino-acid change (proline 3971 retained).
Molecular consequence: synonymous variant.
Genome position (GRCh38, 1-based): chr19:38,543,776, C>G. VCF-style: chr19-38543776-C-G. GRCh37 (hg19) VCF-style: chr19-39034416-C-G.
Other names: c.11898C>G, p.Pro3966= (NM_001042723.2).
Identifiers: ClinVar variation 2896020 (VCV002896020.4), dbSNP rs2514578977, ClinGen allele CA507242574.

ClinVar aggregate classification (germline): Conflicting classifications of pathogenicity. Review status: criteria provided, conflicting classifications (1 of 4 stars). 2 submissions from 2 submitters: Uncertain significance (1); Likely benign (1). Last evaluated 2023-04-03.

Conditions:
Malignant hyperthermia, susceptibility to, 1 (MHS1). Also called: Anesthesia related hyperthermia; Malignant hyperpyrexia; Fulminating hyperpyrexia; Pharmacogenic myopathy; RYR1-Related Malignant Hyperthermia Susceptibility; Malignant hyperthermia suceptibility 1. Identifiers: Orphanet 423, MedGen C2930980, MONDO:0007783, OMIM 145600.
RYR1-related disorder. Also called: RYR1-related disorders; RYR1-related condition. Identifiers: MedGen CN239331.

Submissions (2):

All of Us Research Program, National Institutes of Health
Classification: Uncertain significance for Malignant hyperthermia, susceptibility to, 1. Last evaluated: 2023-04-03. Review status: criteria provided, single submitter. Criteria: ACMG Guidelines, 2015. Collection method: clinical testing. Allele origin: germline. Inheritance: Autosomal dominant inheritance. Observed: 1 variant allele, 1 heterozygote.
Comment: This variant is located in the RYR1 protein. To our knowledge, functional studies have not been reported for this variant. This variant has not been reported in individuals affected with RYR1-related disorders in the literature. This variant has not been identified in the general population by the Genome Aggregation Database (gnomAD). The available evidence is insufficient to determine the role of this variant in disease conclusively. Therefore, this variant is classified as a Variant of Uncertain Significance.

This study involves interpretation of variants in research participants for the purpose of population health screening. Participant phenotype was not available at the time of variant classification. Additional details can be found in publication PMID: 35346344, PMCID: PMC8962531

Labcorp Genetics (formerly Invitae), Labcorp
Classification: Likely benign for RYR1-related disorder. Last evaluated: 2023-02-11. Review status: criteria provided, single submitter. Criteria: Invitae Variant Classification Sherloc (09022015). Collection method: clinical testing. Allele origin: germline.